The following is an entry in ClinVar:

NM_000632.4(ITGAM):c.3329T>C (p.Val1110Ala)

Gene: ITGAM (integrin subunit alpha M; plus strand). Cytogenetic location: 16p11.2.
Variant type: single nucleotide variant.
Coding change: c.3329T>C on transcript NM_000632.4 (MANE Select); coding-DNA position 3329, T replaced by C.
Protein change: p.Val1110Ala; replaces valine 1110 with alanine.
Molecular consequence: missense variant.
Genome position (GRCh38, 1-based): chr16:31,331,217, T>C. VCF-style: chr16-31331217-T-C. GRCh37 (hg19) VCF-style: chr16-31342538-T-C.
Other names: c.3332T>C, p.Val1111Ala (NM_001145808.2); short protein forms V1111A, V1110A.
Identifiers: ClinVar variation 2038411 (VCV002038411.4), dbSNP rs2544510854, ClinGen allele CA395706340.

ClinVar aggregate classification (germline): Uncertain significance (1 of 4 stars; one submission).

gnomAD v4.1: 2 of 1,613,478 alleles (0.00012%); highest among the groups gnomAD compares: East Asian, 0.0045%; no homozygotes.

Submission:

Labcorp Genetics (formerly Invitae), Labcorp
Classification: Uncertain significance. Last evaluated: 2025-02-10. Review status: criteria provided, single submitter. Criteria: Invitae Variant Classification Sherloc (09022015). Collection method: clinical testing. Allele origin: germline.
Comment: This sequence change replaces valine, which is neutral and non-polar, with alanine, which is neutral and non-polar, at codon 1110 of the ITGAM protein (p.Val1110Ala). This variant is not present in population databases (gnomAD no frequency). This variant has not been reported in the literature in individuals affected with ITGAM-related conditions. ClinVar contains an entry for this variant (Variation ID: 2038411). An algorithm developed to predict the effect of missense changes on protein structure and function (PolyPhen-2) suggests that this variant is likely to be tolerated. In summary, the available evidence is currently insufficient to determine the role of this variant in disease. Therefore, it has been classified as a Variant of Uncertain Significance.